The following is an entry in ClinVar:

NM_024422.6(DSC2):c.2125T>G (p.Cys709Gly)

Gene: DSC2 (desmocollin 2; minus strand). Cytogenetic location: 18q12.1.
Variant type: single nucleotide variant.
Coding change: c.2125T>G on transcript NM_024422.6 (MANE Select); coding-DNA position 2125, T replaced by G.
Protein change: p.Cys709Gly; replaces cysteine 709 with glycine.
Molecular consequence: missense variant.
Genome position (GRCh38, 1-based): chr18:31,071,605, A>C on the plus strand (T>G on the coding strand, the complement: DSC2 is on the minus strand). VCF-style: chr18-31071605-A-C. GRCh37 (hg19) VCF-style: chr18-28651571-A-C.
Other names: c.2125T>G, p.Cys709Gly (NM_004949.5); short protein forms C709G.
Identifiers: ClinVar variation 841115 (VCV000841115.8), dbSNP rs755534194, ClinGen allele CA034794.

ClinVar aggregate classification (germline): Uncertain significance (1 of 4 stars; one submission).

Conditions:
Arrhythmogenic right ventricular dysplasia 11. Also called: ARRHYTHMOGENIC RIGHT VENTRICULAR DYSPLASIA, FAMILIAL, 11; Arrhythmogenic Right Ventricular Dysplasia/Cardiomyopathy11; Arrhythmogenic right ventricular dysplasia 11 with mild palmoplantar keratoderma and woolly hair. Identifiers: MedGen C1864850, MONDO:0012506, OMIM 610476.

Allele frequency attached by ClinVar (database versions not stated): gnomAD 0.00001; gnomAD exomes 0.00001 and 0.00002; TOPMed 0.00001; ExAC 0.00003.

Submission:

Labcorp Genetics (formerly Invitae), Labcorp
Classification: Uncertain significance for Arrhythmogenic right ventricular dysplasia 11. Last evaluated: 2024-06-17. Review status: criteria provided, single submitter. Criteria: Invitae Variant Classification Sherloc (09022015). Collection method: clinical testing. Allele origin: germline.
Comment: This sequence change replaces cysteine, which is neutral and slightly polar, with glycine, which is neutral and non-polar, at codon 709 of the DSC2 protein (p.Cys709Gly). This variant is present in population databases (rs755534194, gnomAD 0.004%). This variant has not been reported in the literature in individuals affected with DSC2-related conditions. ClinVar contains an entry for this variant (Variation ID: 841115). An algorithm developed to predict the effect of missense changes on protein structure and function (PolyPhen-2) suggests that this variant¬†is likely to be tolerated. In summary, the available evidence is currently insufficient to determine the role of this variant in disease. Therefore, it has been classified as a Variant of Uncertain Significance.